The following is an entry in ClinVar:

NM_000038.6(APC):c.280C>G (p.Arg94Gly)

Gene: APC (APC regulator of Wnt signaling pathway; plus strand). Cytogenetic location: 5q22.2.
Variant type: single nucleotide variant.
Coding change: c.280C>G on transcript NM_000038.6 (MANE Select); coding-DNA position 280, C replaced by G.
Protein change: p.Arg94Gly; replaces arginine 94 with glycine.
Molecular consequence: missense variant. On other transcripts: 5 prime UTR variant (1).
Genome position (GRCh38, 1-based): chr5:112,767,248, C>G. VCF-style: chr5-112767248-C-G. GRCh37 (hg19) VCF-style: chr5-112102945-C-G.
Other names: c.280C>G, p.Arg94Gly (NM_001127510.3, NM_001354895.2, NM_001354896.2 and 2 more transcripts); c.310C>G, p.Arg104Gly (NM_001127511.3, NM_001354897.2, NM_001354902.2); c.205C>G, p.Arg69Gly (NM_001354898.2, NM_001354904.2); c.103C>G, p.Arg35Gly (NM_001354900.2, NM_001354901.2, NM_001354905.2); c.-756C>G (NM_001354906.2); short protein forms R104G, R94G, R69G, R35G.
Identifiers: ClinVar variation 231136 (VCV000231136.13), dbSNP rs550945533, ClinGen allele CA10578289.

ClinVar aggregate classification (germline): Uncertain significance. Review status: criteria provided, multiple submitters, no conflicts (2 of 4 stars). 3 submissions from 3 submitters: Uncertain significance (3). Last evaluated 2024-11-24.

Conditions:
Familial adenomatous polyposis 1 (FAP1). Also called: FAMILIAL ADENOMATOUS POLYPOSIS 1, ATTENUATED; POLYPOSIS, ADENOMATOUS INTESTINAL. Identifiers: MedGen C2713442, MONDO:0021056, OMIM 175100. Disease mechanism: loss of function.
Hereditary cancer-predisposing syndrome. Also called: Neoplastic Syndromes, Hereditary; Tumor predisposition; Hereditary Cancer Syndrome; Hereditary neoplastic syndrome. Identifiers: Orphanet 140162, MedGen C0027672, MeSH D009386, MONDO:0015356.

Allele frequency attached by ClinVar (database versions not stated): TOPMed 0.00002.

Submissions (3):

Labcorp Genetics (formerly Invitae), Labcorp
Classification: Uncertain significance for Familial adenomatous polyposis 1. Last evaluated: 2024-11-24. Review status: criteria provided, single submitter. Criteria: Invitae Variant Classification Sherloc (09022015). Collection method: clinical testing. Allele origin: germline.
Comment: This sequence change replaces arginine, which is basic and polar, with glycine, which is neutral and non-polar, at codon 94 of the APC protein (p.Arg94Gly). This variant is not present in population databases (gnomAD no frequency). This variant has not been reported in the literature in individuals affected with APC-related conditions. ClinVar contains an entry for this variant (Variation ID: 231136). Invitae Evidence Modeling of protein sequence and biophysical properties (such as structural, functional, and spatial information, amino acid conservation, physicochemical variation, residue mobility, and thermodynamic stability) indicates that this missense variant is not expected to disrupt APC protein function with a negative predictive value of 95%. In summary, the available evidence is currently insufficient to determine the role of this variant in disease. Therefore, it has been classified as a Variant of Uncertain Significance.

Mendelics
Classification: Uncertain significance for Familial adenomatous polyposis 1. Last evaluated: 2018-07-02. Review status: criteria provided, single submitter. Criteria: Mendelics Assertion Criteria 2017. Collection method: clinical testing. Allele origin: unknown.

Ambry Genetics
Classification: Uncertain significance for Hereditary cancer-predisposing syndrome. Last evaluated: 2015-03-30. Review status: criteria provided, single submitter. Criteria: Ambry Variant Classification Scheme 2023. Collection method: clinical testing. Allele origin: germline.
Comment: The p.R94G variant (also known as c.280C>G), located in coding exon 3 of the APC gene, results from a C to G substitution at nucleotide position 280. The arginine at codon 94 is replaced by glycine, an amino acid with dissimilar properties. This variant was not reported in population based cohorts in the following databases: Database of Single Nucleotide Polymorphisms (dbSNP), NHLBI Exome Sequencing Project (ESP), and 1000 Genomes Project. In the ESP, this variant was not observed in 6502 samples (13004 alleles) with coverage at this position. To date, this alteration has been detected with an allele frequency of approximately 0.005% (greater than 21000 alleles tested) in our clinical cohort. This amino acid position is highly conserved in available vertebrate species. In addition, in silico predictors for this gene do not accurately predict pathogenicity. Since supporting evidence is limited at this time, the clinical significance of p.L93H remains unclear.